The following is an entry in ClinVar:

ClinVar aggregate classification (germline): Conflicting classifications of pathogenicity. Review status: criteria provided, conflicting classifications (1 of 4 stars). 4 submissions from 4 submitters: Uncertain significance (2); Likely benign (2). Last evaluated 2024-10-16.

Conditions:
GM3 synthase deficiency (SPDRS). Also called: SALT AND PEPPER MENTAL RETARDATION SYNDROME; AMISH INFANTILE EPILEPSY SYNDROME; SALT AND PEPPER DEVELOPMENTAL REGRESSION SYNDROME. Identifiers: Orphanet 171714, Orphanet 370933, MedGen C1836824, MONDO:0018274, OMIM 609056.
Inborn genetic diseases. Identifiers: MedGen C0950123, MeSH D030342.

Allele frequency attached by ClinVar (database versions not stated): TOPMed 0.00002; gnomAD 0.00003; 1000 Genomes Project 30x 0.00016; 1000 Genomes Project 0.00020.
gnomAD v4.1: 33 of 1,614,206 alleles (0.002%); highest among the groups gnomAD compares: Middle Eastern, 0.049%; no homozygotes.

Submissions (4):

Labcorp Genetics (formerly Invitae), Labcorp
Classification: Uncertain significance for GM3 synthase deficiency. Last evaluated: 2024-10-16. Review status: criteria provided, single submitter. Criteria: Invitae Variant Classification Sherloc (09022015). Collection method: clinical testing. Allele origin: germline.
Comment: This sequence change replaces valine, which is neutral and non-polar, with methionine, which is neutral and non-polar, at codon 139 of the ST3GAL5 protein (p.Val139Met). This variant is present in population databases (rs377046345, gnomAD 0.009%). This variant has not been reported in the literature in individuals affected with ST3GAL5-related conditions. ClinVar contains an entry for this variant (Variation ID: 337338). Invitae Evidence Modeling of protein sequence and biophysical properties (such as structural, functional, and spatial information, amino acid conservation, physicochemical variation, residue mobility, and thermodynamic stability) indicates that this missense variant is not expected to disrupt ST3GAL5 protein function with a negative predictive value of 95%. In summary, the available evidence is currently insufficient to determine the role of this variant in disease. Therefore, it has been classified as a Variant of Uncertain Significance.

Blueprint Genetics
Classification: Likely benign. Last evaluated: 2024-09-16. Review status: criteria provided, single submitter. Criteria: ACMG Guidelines, 2015. Collection method: clinical testing. Allele origin: germline.

Ambry Genetics
Classification: Likely benign for Inborn genetic diseases. Last evaluated: 2021-09-01. Review status: criteria provided, single submitter. Criteria: Ambry Variant Classification Scheme 2023. Collection method: clinical testing. Allele origin: germline.

Illumina Laboratory Services, Illumina
Classification: Uncertain significance for GM3 synthase deficiency. Last evaluated: 2018-01-12. Review status: criteria provided, single submitter. Criteria: ICSL Variant Classification Criteria 13 December 2019. Collection method: clinical testing. Allele origin: germline.

NM_003896.4(ST3GAL5):c.415G>A (p.Val139Met)

Gene: ST3GAL5 (ST3 beta-galactoside alpha-2,3-sialyltransferase 5; minus strand). Cytogenetic location: 2p11.2.
Variant type: single nucleotide variant.
Coding change: c.415G>A on transcript NM_003896.4 (MANE Select); coding-DNA position 415, G replaced by A.
Protein change: p.Val139Met; replaces valine 139 with methionine.
Molecular consequence: missense variant. On other transcripts: 5 prime UTR variant (1).
Genome position (GRCh38, 1-based): chr2:85,848,108, C>T on the plus strand (G>A on the coding strand, the complement: ST3GAL5 is on the minus strand). VCF-style: chr2-85848108-C-T. GRCh37 (hg19) VCF-style: chr2-86075231-C-T.
Other names: c.346G>A, p.Val116Met (NM_001042437.2); c.31G>A, p.Val11Met (NM_001354223.2, NM_001354224.2, NM_001354226.2 and 3 more transcripts); c.331G>A, p.Val111Met (NM_001354227.2, NM_001354229.2, NM_001354238.1); c.-490G>A (NM_001354247.1); c.415G>A, p.Val139Met (NM_001363847.1); short protein forms V139M, V116M, V11M, V111M.
Identifiers: ClinVar variation 337338 (VCV000337338.14), dbSNP rs377046345, ClinGen allele CA1745043.
Genomic context (GRCh38, chr2:85,848,108, plus strand): 5'-CGTACTTGGACTCAGCTTCACTGTCTTTGGGGGCCTTCTGCACAAAAGGGAGTAAGTCCA[C>T]GCTATACCTGTGCTCAAATAACAGCGCCATTGATGTCTTGGCAAACTTGGGACGACATTC-3'
Protein context (NP_003887.3, residues 129-149): MALLFEHRYS[Val139Met]DLLPFVQKAP